The following is an entry in ClinVar:

ClinVar aggregate classification (germline): Conflicting classifications of pathogenicity. Review status: criteria provided, conflicting classifications (1 of 4 stars). 11 submissions from 10 submitters: Uncertain significance (1); Benign (4); Likely benign (5). 1 of the submissions does not count toward it. Last evaluated 2026-02-03.

Conditions:
MYBPC3-related disorder. Also called: MYBPC3-related disorders; MYBPC3-related condition; MYBPC3-related disease.
Left ventricular noncompaction 10 (LVNC10). Identifiers: Orphanet 154, Orphanet 54260, MedGen C3715165, MONDO:0014163, OMIM 615396.
Cardiovascular phenotype. Identifiers: MedGen CN230736.
Cardiomyopathy (CMYO). Also called: Cardiomyopathies. Identifiers: Orphanet 167848, MedGen C0878544, MONDO:0004994, HP:0001638. Inheritance: Various modes of inheritance.
Hypertrophic cardiomyopathy 4. Also called: Familial hypertrophic cardiomyopathy 4. Identifiers: MedGen C1861862, MONDO:0007268, OMIM 115197.
Hypertrophic cardiomyopathy. Also called: HYPERTROPHIC MYOCARDIOPATHY. Identifiers: Orphanet 217569, MedGen C0007194, MeSH D002312, MONDO:0005045, HP:0001639.

Allele frequency attached by ClinVar (database versions not stated): gnomAD 0.00003; TOPMed 0.00010; ESP Exome Variant Server 0.00016.
gnomAD v4.1: 163 of 1,601,472 alleles (0.01%); highest among the groups gnomAD compares: Non-Finnish European, 0.0053%; no homozygotes.

Submissions (11):

Labcorp Genetics (formerly Invitae), Labcorp
Classification: Benign for Hypertrophic cardiomyopathy. Last evaluated: 2026-02-03. Review status: criteria provided, single submitter. Criteria: Invitae Variant Classification Sherloc (09022015). Collection method: clinical testing. Allele origin: germline.

CeGaT Center for Human Genetics Tuebingen
Classification: Likely benign. Last evaluated: 2026-01-01. Review status: criteria provided, single submitter. Criteria: CeGaT Center For Human Genetics Tuebingen Variant Classification Criteria Version 2. Collection method: clinical testing. Allele origin: germline. Affected: yes. Observed: 3 variant alleles.
Comment: MYBPC3: BP4, BP7

Women's Health and Genetics/Laboratory Corporation of America, LabCorp
Classification: Likely benign. Last evaluated: 2024-12-06. Review status: criteria provided, single submitter. Criteria: LabCorp Variant Classification Summary - May 2015. Collection method: clinical testing. Allele origin: germline.

Blueprint Genetics
Classification: Likely benign. Last evaluated: 2024-10-16. Review status: criteria provided, single submitter. Criteria: ACMG Guidelines, 2015. Collection method: clinical testing. Allele origin: germline.

All of Us Research Program, National Institutes of Health
Classification: Benign for Hypertrophic cardiomyopathy. Last evaluated: 2024-02-05. Review status: criteria provided, single submitter. Criteria: ACMG Guidelines, 2015. Collection method: clinical testing. Allele origin: germline. Inheritance: Autosomal dominant inheritance. Observed: 35 variant alleles, 35 heterozygotes.
Comment: This study involves interpretation of variants in research participants for the purpose of population health screening. Participant phenotype was not available at the time of variant classification. Additional details can be found in publication PMID: 35346344, PMCID: PMC8962531

Ambry Genetics
Classification: Likely benign for Cardiovascular phenotype. Last evaluated: 2020-11-17. Review status: criteria provided, single submitter. Criteria: Ambry Variant Classification Scheme 2023. Collection method: clinical testing. Allele origin: germline.

Color Diagnostics, LLC DBA Color Health
Classification: Benign for Cardiomyopathy. Last evaluated: 2018-07-29. Review status: criteria provided, single submitter. Criteria: ACMG Guidelines, 2015. Collection method: clinical testing. Allele origin: germline.

Illumina Laboratory Services, Illumina
Classification: Benign for Left ventricular noncompaction 10. Last evaluated: 2018-01-13. Review status: criteria provided, single submitter. Criteria: ICSL Variant Classification Criteria 13 December 2019. Collection method: clinical testing. Allele origin: germline.
Comment: This variant was observed in the ICSL laboratory as part of a predisposition screen in an ostensibly healthy population. It had not been previously curated by ICSL or reported in the Human Gene Mutation Database (HGMD: prior to June 1st, 2018), and was therefore a candidate for classification through an automated scoring system. Utilizing variant allele frequency, disease prevalence and penetrance estimates, and inheritance mode, an automated score was calculated to assess if this variant is too frequent to cause the disease. Based on the score and internal cut-off values, a variant classified as benign is not then subjected to further curation. The score for this variant resulted in a classification of benign for this disease.

Illumina Laboratory Services, Illumina
Classification: Uncertain significance for Hypertrophic cardiomyopathy 4. Last evaluated: 2018-01-13. Review status: criteria provided, single submitter. Criteria: ICSL Variant Classification Criteria 13 December 2019. Collection method: clinical testing. Allele origin: germline.

Laboratory for Molecular Medicine, Mass General Brigham Personalized Medicine
Classification: Likely benign. Last evaluated: 2010-11-30. Review status: criteria provided, single submitter. Criteria: LMM Criteria. Collection method: clinical testing. Allele origin: germline. Observed: 3 variant alleles.
Comment: This variant is not expected to have clinical significance because it does not a lter an amino acid residue and is not located near a splice junction. Therefore, it is unlikely that this variant is disease-causing.

PreventionGenetics, part of Exact Sciences
Classification: Likely benign for MYBPC3-related condition. Last evaluated: 2020-08-17. Review status: no assertion criteria provided. Collection method: clinical testing. Allele origin: germline. Not counted in ClinVar's aggregate classification.
Comment: This variant is classified as likely benign based on ACMG/AMP sequence variant interpretation guidelines (Richards et al. 2015 PMID: 25741868, with internal and published modifications).

NM_000256.3(MYBPC3):c.3315C>A (p.Ala1105=)

Gene: MYBPC3 (myosin binding protein C3; minus strand). Cytogenetic location: 11p11.2.
Variant type: single nucleotide variant.
Coding change: c.3315C>A on transcript NM_000256.3 (MANE Select); coding-DNA position 3315, C replaced by A.
Protein change: p.Ala1105=; no amino-acid change (alanine 1105 retained).
Molecular consequence: synonymous variant.
Genome position (GRCh38, 1-based): chr11:47,333,209, G>T on the plus strand (C>A on the coding strand, the complement: MYBPC3 is on the minus strand). VCF-style: chr11-47333209-G-T. GRCh37 (hg19) VCF-style: chr11-47354760-G-T.
Identifiers: ClinVar variation 42703 (VCV000042703.63), dbSNP rs200372325, ClinGen allele CA013887.